The following is an entry in ClinVar:

NM_000222.3(KIT):c.2468A>G (p.Tyr823Cys)

Gene: KIT (KIT proto-oncogene, receptor tyrosine kinase; plus strand). Cytogenetic location: 4q12.
Variant type: single nucleotide variant.
Coding change: c.2468A>G on transcript NM_000222.3 (MANE Select); coding-DNA position 2468, A replaced by G.
Protein change: p.Tyr823Cys; replaces tyrosine 823 with cysteine.
Molecular consequence: missense variant.
Genome position (GRCh38, 1-based): chr4:54,733,176, A>G. VCF-style: chr4-54733176-A-G. GRCh37 (hg19) VCF-style: chr4-55599342-A-G.
Other names: c.2456A>G, p.Tyr819Cys (NM_001093772.2, NM_001385292.1); c.2471A>G, p.Tyr824Cys (NM_001385284.1); c.2465A>G, p.Tyr822Cys (NM_001385285.1); c.2453A>G, p.Tyr818Cys (NM_001385286.1); c.2459A>G, p.Tyr820Cys (NM_001385288.1); c.2468A>G, p.Tyr823Cys (NM_001385290.1); short protein forms Y818C, Y819C, Y820C, Y822C, Y823C, Y824C.
Identifiers: ClinVar variation 4530493 (VCV004530493.1).
Genomic context (GRCh38, chr4:54,733,176, plus strand): 5'-GTCGGATCACAAAGATTTGTGATTTTGGTCTAGCCAGAGACATCAAGAATGATTCTAATT[A>G]TGTGGTTAAAGGAAACGTGAGTACCCATTCTCTGCTTGACAGTCCTGCAAAGGATTTTTA-3'
Protein context (NP_000213.1, residues 813-833): LARDIKNDSN[Tyr823Cys]VVKGNARLPV

ClinVar aggregate classification (somatic clinical impact): Tier I - Strong (1 of 4 stars; one submission).

Conditions:
Germinoma. Also called: Germinoma (disease). Identifiers: MedGen C0206660, MONDO:0002598, HP:0100620.

Submission:

Institute for Genomic Medicine (IGM) Clinical Laboratory, Nationwide Children's Hospital
Classification: Tier I - Strong for Germinoma. Assertion type: diagnostic. Clinical significance: supports diagnosis. Last evaluated: 2024-10-25. Review status: criteria provided, single submitter. Criteria: AMP/ASCO/CAP Guidelines, 2017. Collection method: clinical testing. Allele origin: somatic. Affected: yes.
Comment: Variant has Tier I (strong) clinical significance as a diagnostic inclusion criterion in germinoma, based on the following evidence: 1) Documented in one or more cancer databases (e.g., St. Jude Pecan, COSMIC, CIViC, OncoKB). 2) Appears in one or more well-established professional guidelines (e.g., World Health Organization [WHO]; National Comprehensive Cancer Network [NCCN]) as providing diagnostic, prognostic, or therapeutic information. 3) Information in the literature supports potential biologic effect of variant (PMIDs: 18955458, 18623623, 16954519). 4) Diagnostic for a specific tumor type/classification based on well-powered studies with expert-level consensus (Evidence Level B; PMIDs: 24452629, 24896186, 27391150).

Literature cited by the submitters: PubMed 18955458; PubMed 18623623; PubMed 16954519; PubMed 24452629; PubMed 24896186; PubMed 27391150.